The following is an entry in ClinVar:

ClinVar aggregate classification (germline): Uncertain significance (1 of 4 stars; one submission).

Conditions:
Autoimmune lymphoproliferative syndrome type 1. Also called: AUTOIMMUNE LYMPHOPROLIFERATIVE SYNDROME, TYPE I, AUTOSOMAL DOMINANT. Identifiers: Orphanet 3261, MedGen C2717884, MONDO:0011158, OMIM 601859.

Submission:

Labcorp Genetics (formerly Invitae), Labcorp
Classification: Uncertain significance for Autoimmune lymphoproliferative syndrome. Last evaluated: 2024-03-27. Review status: criteria provided, single submitter. Criteria: Invitae Variant Classification Sherloc (09022015). Collection method: clinical testing. Allele origin: germline.
Comment: This sequence change replaces histidine, which is basic and polar, with glutamine, which is neutral and polar, at codon 142 of the FAS protein (p.His142Gln). This variant is not present in population databases (gnomAD no frequency). This variant has not been reported in the literature in individuals affected with FAS-related conditions. Advanced modeling of protein sequence and biophysical properties (such as structural, functional, and spatial information, amino acid conservation, physicochemical variation, residue mobility, and thermodynamic stability) has been performed at Invitae for this missense variant, however the output from this modeling did not meet the statistical confidence thresholds required to predict the impact of this variant on FAS protein function. In summary, the available evidence is currently insufficient to determine the role of this variant in disease. Therefore, it has been classified as a Variant of Uncertain Significance.

NM_000043.6(FAS):c.426C>A (p.His142Gln)

Gene: FAS (Fas cell surface death receptor; plus strand). Cytogenetic location: 10q23.31.
Variant type: single nucleotide variant.
Coding change: c.426C>A on transcript NM_000043.6 (MANE Select); coding-DNA position 426, C replaced by A.
Protein change: p.His142Gln; replaces histidine 142 with glutamine.
Molecular consequence: missense variant. On other transcripts: non-coding transcript variant (1).
Genome position (GRCh38, 1-based): chr10:89,008,980, C>A. VCF-style: chr10-89008980-C-A. GRCh37 (hg19) VCF-style: chr10-90768737-C-A.
Other names: c.426C>A, p.His142Gln (NM_001320619.2, NM_152871.4, NM_152872.4); c.471C>A, p.His157Gln (NM_001410956.1); short protein forms H157Q, H142Q.
Identifiers: ClinVar variation 3647894 (VCV003647894.2).